The following is an entry in ClinVar:

ClinVar aggregate classification (germline): Conflicting classifications of pathogenicity. Review status: criteria provided, conflicting classifications (1 of 4 stars). 3 submissions from 3 submitters: Pathogenic (1); Uncertain significance (2). Last evaluated 2025-12-18.

Conditions:
Cardiomyopathy (CMYO). Also called: Cardiomyopathies. Identifiers: Orphanet 167848, MedGen C0878544, MONDO:0004994, HP:0001638. Inheritance: Various modes of inheritance.
Dilated cardiomyopathy 1S (CMD1S). Identifiers: Orphanet 154, Orphanet 54260, MedGen C1834481, MONDO:0013262, OMIM 613426.
Hypertrophic cardiomyopathy. Also called: HYPERTROPHIC MYOCARDIOPATHY. Identifiers: Orphanet 217569, MedGen C0007194, MeSH D002312, MONDO:0005045, HP:0001639.

Submissions (3):

3billion
Classification: Uncertain significance for Dilated cardiomyopathy 1S. Last evaluated: 2025-12-18. Review status: criteria provided, single submitter. Criteria: ACMG Guidelines, 2015. Collection method: clinical testing. Allele origin: germline. Affected: yes.
Comment: The variant is not observed in the gnomAD v4.1.0 dataset. Predicted Consequence/Location: The variant is located in a mutational hot spot and/or well-established functional domain in which established pathogenic variants have been reported (PMID: 29300372). In silico tool predictions suggest damaging effect of the variant on gene or gene product [REVEL: 0.61 (>=0.6, sensitivity 0.68 and specificity 0.92); 3Cnet: 0.99 (> 0.75, sensitivity 0.96 and precision 0.92)]. The same nucleotide change resulting in the same amino acid change has been previously reported to be associated with MYH7-related disorder (ClinVar ID: VCV001329402 /PMID: 19293840). However, the evidence of pathogenicity is insufficient at this time. Therefore, this variant is classified as VUS according to the recommendation of ACMG/AMP guideline.

Labcorp Genetics (formerly Invitae), Labcorp
Classification: Pathogenic for Hypertrophic cardiomyopathy. Last evaluated: 2024-02-23. Review status: criteria provided, single submitter. Criteria: Invitae Variant Classification Sherloc (09022015). Collection method: clinical testing. Allele origin: germline.
Comment: This sequence change replaces lysine, which is basic and polar, with glutamic acid, which is acidic and polar, at codon 637 of the MYH7 protein (p.Lys637Glu). This variant is not present in population databases (gnomAD no frequency). This missense change has been observed in individuals with dilated cardiomyopathy (PMID: 19293840, 33019804). It has also been observed to segregate with disease in related individuals. ClinVar contains an entry for this variant (Variation ID: 1329402). Advanced modeling of protein sequence and biophysical properties (such as structural, functional, and spatial information, amino acid conservation, physicochemical variation, residue mobility, and thermodynamic stability) performed at Invitae indicates that this missense variant is expected to disrupt MYH7 protein function with a positive predictive value of 95%. For these reasons, this variant has been classified as Pathogenic.

CHEO Genetics Diagnostic Laboratory, Children's Hospital of Eastern Ontario
Classification: Uncertain significance for Cardiomyopathy. Last evaluated: 2021-05-03. Review status: criteria provided, single submitter. Criteria: ACMG Guidelines, 2015. Collection method: clinical testing. Allele origin: germline.

Literature cited by the submitters: PubMed 19293840 (cited by 3billion and Labcorp Genetics (formerly Invitae), Labcorp); PubMed 33019804 (cited by Labcorp Genetics (formerly Invitae), Labcorp).

NM_000257.4(MYH7):c.1909A>G (p.Lys637Glu)

Gene: MYH7 (myosin heavy chain 7; minus strand). Cytogenetic location: 14q11.2.
Variant type: single nucleotide variant.
Coding change: c.1909A>G on transcript NM_000257.4 (MANE Select); coding-DNA position 1909, A replaced by G.
Protein change: p.Lys637Glu; replaces lysine 637 with glutamic acid.
Molecular consequence: missense variant.
Genome position (GRCh38, 1-based): chr14:23,427,287, T>C on the plus strand (A>G on the coding strand, the complement: MYH7 is on the minus strand). VCF-style: chr14-23427287-T-C. GRCh37 (hg19) VCF-style: chr14-23896496-T-C.
Other names: short protein forms K637E.
Identifiers: ClinVar variation 1329402 (VCV001329402.10), dbSNP rs2138671179, ClinGen allele CA389049558.